The following is an entry in ClinVar:

NM_182914.3(SYNE2):c.4861A>C (p.Asn1621His)

Gene: SYNE2 (spectrin repeat containing nuclear envelope protein 2; plus strand). Cytogenetic location: 14q23.2.
Variant type: single nucleotide variant.
Coding change: c.4861A>C on transcript NM_182914.3 (MANE Select); coding-DNA position 4861, A replaced by C.
Protein change: p.Asn1621His; replaces asparagine 1621 with histidine.
Molecular consequence: missense variant.
Genome position (GRCh38, 1-based): chr14:64,016,605, A>C. VCF-style: chr14-64016605-A-C. GRCh37 (hg19) VCF-style: chr14-64483323-A-C.
Other names: c.4861A>C, p.Asn1621His (NM_015180.6); short protein forms N1621H.
Identifiers: ClinVar variation 538343 (VCV000538343.13), dbSNP rs746284520, ClinGen allele CA7220322.
Genomic context (GRCh38, chr14:64,016,605, plus strand): 5'-CTACAATTTTATCTAAATAAAATGAAAACTTTTGAAGAGCCCCCTTTTGAAAAAGAGGCT[A>C]ATATTATTGTGGATAGATGGCTTGATGTAAGTGATAATTTCATTGATTGCAAATTTAATT-3'
Protein context (NP_878918.2, residues 1611-1631): FEEPPFEKEA[Asn1621His]IIVDRWLDIN

ClinVar aggregate classification (germline): Uncertain significance. Review status: criteria provided, multiple submitters, no conflicts (2 of 4 stars). 2 submissions from 2 submitters: Uncertain significance (2). Last evaluated 2022-12-12.

Conditions:
Emery-Dreifuss muscular dystrophy 5, autosomal dominant (EDMD5). Also called: EMERY-DREIFUSS MUSCULAR DYSTROPHY 5. Identifiers: Orphanet 261, MedGen C2751805, MONDO:0013072, OMIM 612999.

Allele frequency attached by ClinVar (database versions not stated): gnomAD exomes below 0.00001; ExAC 0.00001.
gnomAD v4.1: 9 of 1,597,426 alleles (0.00056%); highest among the groups gnomAD compares: Non-Finnish European, 0.00077%; no homozygotes.

Submissions (2):

Labcorp Genetics (formerly Invitae), Labcorp
Classification: Uncertain significance for Emery-Dreifuss muscular dystrophy 5, autosomal dominant. Last evaluated: 2022-12-12. Review status: criteria provided, single submitter. Criteria: Invitae Variant Classification Sherloc (09022015). Collection method: clinical testing. Allele origin: germline.
Comment: Algorithms developed to predict the effect of missense changes on protein structure and function are either unavailable or do not agree on the potential impact of this missense change (SIFT: "Tolerated"; PolyPhen-2: "Probably Damaging"; Align-GVGD: "Class C0"). ClinVar contains an entry for this variant (Variation ID: 538343). This variant has not been reported in the literature in individuals affected with SYNE2-related conditions. This variant is present in population databases (rs746284520, gnomAD 0.0009%). This sequence change replaces asparagine, which is neutral and polar, with histidine, which is basic and polar, at codon 1621 of the SYNE2 protein (p.Asn1621His). In summary, the available evidence is currently insufficient to determine the role of this variant in disease. Therefore, it has been classified as a Variant of Uncertain Significance.

Revvity Omics, Revvity
Classification: Uncertain significance for Emery-Dreifuss muscular dystrophy 5, autosomal dominant. Last evaluated: 2019-08-06. Review status: criteria provided, single submitter. Criteria: ACMG Guidelines, 2015. Collection method: clinical testing. Allele origin: germline.